The following is an entry in ClinVar:

NM_020745.4(AARS2):c.2722C>A (p.Pro908Thr)

Gene: AARS2 (alanyl-tRNA synthetase 2, mitochondrial; minus strand). Cytogenetic location: 6p21.1.
Variant type: single nucleotide variant.
Coding change: c.2722C>A on transcript NM_020745.4 (MANE Select); coding-DNA position 2722, C replaced by A.
Protein change: p.Pro908Thr; replaces proline 908 with threonine.
Molecular consequence: missense variant.
Genome position (GRCh38, 1-based): chr6:44,301,227, G>T on the plus strand (C>A on the coding strand, the complement: AARS2 is on the minus strand). VCF-style: chr6-44301227-G-T. GRCh37 (hg19) VCF-style: chr6-44268964-G-T.
Other names: short protein forms P908T.
Identifiers: ClinVar variation 3375614 (VCV003375614.1).

ClinVar aggregate classification (germline): Uncertain significance (1 of 4 stars; one submission).

gnomAD v4.1: 6 of 1,613,654 alleles (0.00037%); highest among the groups gnomAD compares: South Asian, 0.0044%; no homozygotes.

Submission:

GeneDx
Classification: Uncertain significance. Last evaluated: 2024-05-09. Review status: criteria provided, single submitter. Criteria: GeneDx Variant Classification Process June 2021. Collection method: clinical testing. Allele origin: germline. Affected: yes.
Comment: Not observed at significant frequency in large population cohorts (gnomAD); In silico analysis supports that this missense variant has a deleterious effect on protein structure/function; Has not been previously published as pathogenic or benign to our knowledge